The following is an entry in ClinVar:

NM_016138.5(COQ7):c.577-305G>A

Gene: COQ7 (coenzyme Q7, hydroxylase; plus strand). Cytogenetic location: 16p12.3.
Variant type: single nucleotide variant.
Coding change: c.577-305G>A on transcript NM_016138.5 (MANE Select); 305 bases into the intron before coding-DNA position 577, G replaced by A.
Molecular consequence: intron variant.
Genome position (GRCh38, 1-based): chr16:19,077,776, G>A. VCF-style: chr16-19077776-G-A. GRCh37 (hg19) VCF-style: chr16-19089098-G-A.
Other names: c.508-305G>A (NM_001370490.1); c.463-305G>A (NM_001370494.1, NM_001190983.2, NM_001370492.1 and 1 more transcripts); c.394-305G>A (NM_001370495.1); c.535-305G>A (NM_001370489.1); c.466-305G>A (NM_001370491.1).
Identifiers: ClinVar variation 683582 (VCV000683582.1), dbSNP rs11074360, ClinGen allele CA14279643.

ClinVar aggregate classification (germline): Benign (1 of 4 stars; one submission).

Allele frequency attached by ClinVar (database versions not stated): 1000 Genomes Project 30x 0.91224; 1000 Genomes Project 0.91593; TOPMed 0.91625; gnomAD 0.92115 and 0.92326.
gnomAD v4.1: 140,010 of 151,566 alleles (92%); highest among the groups gnomAD compares: Non-Finnish European, 97%; 65,096 homozygotes.

Submission:

GeneDx
Classification: Benign. Last evaluated: 2018-06-14. Review status: criteria provided, single submitter. Criteria: GeneDx Variant Classification (06012015). Collection method: clinical testing. Allele origin: germline. Affected: yes.
Comment: This variant is considered likely benign or benign based on one or more of the following criteria: it is a conservative change, it occurs at a poorly conserved position in the protein, it is predicted to be benign by multiple in silico algorithms, and/or has population frequency not consistent with disease.